The following is an entry in ClinVar:

NM_001329943.3(KIAA0586):c.3343A>G (p.Thr1115Ala)

Gene: KIAA0586 (KIAA0586; plus strand). Cytogenetic location: 14q23.1.
Variant type: single nucleotide variant.
Coding change: c.3343A>G on transcript NM_001329943.3 (MANE Select); coding-DNA position 3343, A replaced by G.
Protein change: p.Thr1115Ala; replaces threonine 1115 with alanine.
Molecular consequence: missense variant.
Genome position (GRCh38, 1-based): chr14:58,487,925, A>G. VCF-style: chr14-58487925-A-G. GRCh37 (hg19) VCF-style: chr14-58954643-A-G.
Other names: c.3502A>G, p.Thr1168Ala (NM_001244189.2); c.3298A>G, p.Thr1100Ala (NM_001244190.2); c.3088A>G, p.Thr1030Ala (NM_001244191.2, NM_001329945.2, NM_001364700.1 and 1 more transcripts); c.3211A>G, p.Thr1071Ala (NM_001244192.2); c.2923A>G, p.Thr975Ala (NM_001244193.2); c.3343A>G, p.Thr1115Ala (NM_001329944.2, NM_001329946.2, NM_001329947.2); c.3115A>G, p.Thr1039Ala (NM_014749.5); c.3115A>G (NM_014749.3); short protein forms T1030A, T1039A, T1071A, T1100A, T1115A, T1168A, T975A.
Identifiers: ClinVar variation 1023207 (VCV001023207.6), dbSNP rs773967297, ClinGen allele CA7206140.

ClinVar aggregate classification (germline): Conflicting classifications of pathogenicity. Review status: criteria provided, conflicting classifications (1 of 4 stars). 2 submissions from 2 submitters: Uncertain significance (1); Likely benign (1). Last evaluated 2024-11-13.

Conditions:
Short-rib thoracic dysplasia 14 with polydactyly (SRTD14). Identifiers: Orphanet 397715, MedGen C4225286, MONDO:0014688, OMIM 616546.
Joubert syndrome 23 (JBTS23). Identifiers: Orphanet 475, MedGen C4084822, MONDO:0014664, OMIM 616490.
Inborn genetic diseases. Identifiers: MedGen C0950123, MeSH D030342.

Allele frequency attached by ClinVar (database versions not stated): gnomAD 0.00002 and 0.00003; gnomAD exomes 0.00002 and 0.00003; ExAC 0.00003; TOPMed 0.00008.
gnomAD v4.1: 32 of 1,613,660 alleles (0.002%); highest among the groups gnomAD compares: East Asian, 0.031%; no homozygotes.

Submissions (2):

Ambry Genetics
Classification: Likely benign for Inborn genetic diseases. Last evaluated: 2024-11-13. Review status: criteria provided, single submitter. Criteria: Ambry Variant Classification Scheme 2023. Collection method: clinical testing. Allele origin: germline.

Labcorp Genetics (formerly Invitae), Labcorp
Classification: Uncertain significance for Joubert syndrome 23; Short-rib thoracic dysplasia 14 with polydactyly. Last evaluated: 2024-10-23. Review status: criteria provided, single submitter. Criteria: Invitae Variant Classification Sherloc (09022015). Collection method: clinical testing. Allele origin: germline.
Comment: This sequence change replaces threonine, which is neutral and polar, with alanine, which is neutral and non-polar, at codon 1168 of the KIAA0586 protein (p.Thr1168Ala). This variant is present in population databases (rs773967297, gnomAD 0.03%). This variant has not been reported in the literature in individuals affected with KIAA0586-related conditions. ClinVar contains an entry for this variant (Variation ID: 1023207). Invitae Evidence Modeling of protein sequence and biophysical properties (such as structural, functional, and spatial information, amino acid conservation, physicochemical variation, residue mobility, and thermodynamic stability) indicates that this missense variant is not expected to disrupt KIAA0586 protein function with a negative predictive value of 80%. In summary, the available evidence is currently insufficient to determine the role of this variant in disease. Therefore, it has been classified as a Variant of Uncertain Significance.